The following is an entry in ClinVar:

ClinVar aggregate classification (germline): Uncertain significance (1 of 4 stars; one submission).

Conditions:
ABCB11-related disorder. Also called: ABCB11-related condition.

Submission:

PreventionGenetics, part of Exact Sciences
Classification: Uncertain significance for ABCB11-related condition. Last evaluated: 2026-08-27. Review status: criteria provided, single submitter. Criteria: ACMG Guidelines, 2015. Collection method: clinical testing. Allele origin: germline.
Comment: The ABCB11 c.161C>T variant is predicted to result in the amino acid substitution p.Ser54Phe. To our knowledge, this variant has not been reported in the literature. This variant is reported in 0.00089% of alleles in individuals of European (Non-Finnish) descent in gnomAD. Although we suspect that this variant may be pathogenic, at this time, the clinical significance of this variant is uncertain due to the absence of conclusive functional and genetic evidence.

NM_003742.4(ABCB11):c.161C>T (p.Ser54Phe)

Gene: ABCB11 (ATP binding cassette subfamily B member 11; minus strand). Cytogenetic location: 2q31.1.
Variant type: single nucleotide variant.
Coding change: c.161C>T on transcript NM_003742.4 (MANE Select); coding-DNA position 161, C replaced by T.
Protein change: p.Ser54Phe; replaces serine 54 with phenylalanine.
Molecular consequence: missense variant.
Genome position (GRCh38, 1-based): chr2:169,013,500, G>A on the plus strand (C>T on the coding strand, the complement: ABCB11 is on the minus strand). VCF-style: chr2-169013500-G-A. GRCh37 (hg19) VCF-style: chr2-169870010-G-A.
Other names: short protein forms S54F.
Identifiers: ClinVar variation 4993958 (VCV004993958.1).